The following is an entry in ClinVar:

NM_206933.4(USH2A):c.2209C>T (p.Arg737Ter)

Gene: USH2A (usherin; minus strand). Cytogenetic location: 1q41.
Variant type: single nucleotide variant.
Coding change: c.2209C>T on transcript NM_206933.4 (MANE Select); coding-DNA position 2209, C replaced by T.
Protein change: p.Arg737Ter; replaces arginine 737 with a stop codon.
Molecular consequence: nonsense.
Genome position (GRCh38, 1-based): chr1:216,247,185, G>A on the plus strand (C>T on the coding strand, the complement: USH2A is on the minus strand). VCF-style: chr1-216247185-G-A. GRCh37 (hg19) VCF-style: chr1-216420527-G-A.
Other names: c.2209C>T, p.Arg737Ter (NM_007123.6); short protein forms R737*.
Identifiers: ClinVar variation 2361 (VCV000002361.31), dbSNP rs111033334, ClinGen allele CA252242.

ClinVar aggregate classification (germline): Pathogenic. Review status: criteria provided, multiple submitters, no conflicts (2 of 4 stars). 16 submissions from 15 submitters: Pathogenic (12). 4 of the submissions do not count toward it. Last evaluated 2026-02-10.

Conditions:
Rare genetic deafness. Identifiers: Orphanet 96210, MedGen C5680250.
Usher syndrome type 2. Also called: Usher Syndrome Type II. Identifiers: Orphanet 231178, MedGen C0339534, MONDO:0016484.
USH2A-related disorder. Also called: USH2A-related disorders; USH2A-related condition. Identifiers: MedGen CN239332.
Usher syndrome type 2A. Also called: RETINAL DISEASE IN USHER SYNDROME TYPE IIA, MODIFIER OF; USHER SYNDROME, TYPE IIA. Identifiers: Orphanet 231178, Orphanet 886, MedGen C1848634, MONDO:0010169, OMIM 276901.
Retinitis pigmentosa 39 (RP39). Identifiers: Orphanet 791, MedGen C3151138, MONDO:0013436, OMIM 613809.
Retinal disorder. Also called: Retinal disorders; Retinopathy; Retinopathies; Retinal Diseases. Identifiers: MedGen C0035309, MONDO:0005283, HP:0000488.

Allele frequency attached by ClinVar (database versions not stated): gnomAD exomes 0.00001; TOPMed below 0.00001; ExAC 0.00001.
gnomAD v4.1: 7 of 1,613,848 alleles (0.00043%); highest among the groups gnomAD compares: South Asian, 0.0022%; no homozygotes.

Submissions (16):

North West Genomic Laboratory Hub, Manchester University NHS Foundation Trust
Classification: Pathogenic for Retinal disorders. Last evaluated: 2026-02-10. Review status: criteria provided, single submitter. Criteria: ACGS Best Practice Guidelines for Variant Classification in Rare Disease 2024. Collection method: clinical testing. Allele origin: germline. Affected: yes.
Comment: PM3_Mod PVS1_VStr PM2_Supp

GeneDx
Classification: Pathogenic. Last evaluated: 2026-01-29. Review status: criteria provided, single submitter. Criteria: GeneDx Variant Classification Process June 2021. Collection method: clinical testing. Allele origin: germline.
Comment: Observed in many patients with Usher syndrome in published literature (PMID: 29490346, 17296898, 25649381, 27460420); Nonsense variant predicted to result in protein truncation or nonsense mediated decay in a gene for which loss of function is a known mechanism of disease; Not observed at significant frequency in large population cohorts (gnomAD); This variant is associated with the following publications: (PMID: 25525159, 32036094, 32675063, 18452394, 30685615, 24516651, 25356976, 24944099, 31456290, 27460420, 25649381, 33576794, 36110214, 36729443, 37981655, 34781295, 31964843, 36460718, 36819107, 38189974, 37798099, 38927562, 29490346, 17296898)

3billion
Classification: Pathogenic for Usher syndrome type 2A. Last evaluated: 2025-11-11. Review status: criteria provided, single submitter. Criteria: ACMG Guidelines, 2015. Collection method: clinical testing. Allele origin: germline. Affected: yes.
Comment: The variant is observed at an extremely low frequency in the gnomAD v4.1.0 dataset (total allele frequency: <0.001%). Predicted Consequence/Location: Stop-gained (nonsense): predicted to result in a loss or disruption of normal protein function through nonsense-mediated decay (NMD) or protein truncation. Multiple pathogenic variants are reported downstream of the variant. The variant has been reported at least twice as pathogenic with clinical assertions and evidence for the classification (ClinVar ID: VCV000002361 /PMID: 17296898 /3billion dataset). Therefore, this variant is classified as Pathogenic according to the recommendation of ACMG/AMP guideline.

Blueprint Genetics
Classification: Pathogenic for USH2A-related disorders. Last evaluated: 2024-08-07. Review status: criteria provided, single submitter. Criteria: ACMG Guidelines, 2015. Collection method: clinical testing. Allele origin: germline. Affected: yes. Observed: 5 variant alleles.

Genomic Medicine Center of Excellence, King Faisal Specialist Hospital and Research Centre
Classification: Pathogenic for Usher syndrome type 2A. Last evaluated: 2024-03-29. Review status: criteria provided, single submitter. Criteria: ACMG Guidelines, 2015. Collection method: clinical testing. Allele origin: germline.

Labcorp Genetics (formerly Invitae), Labcorp
Classification: Pathogenic. Last evaluated: 2024-02-24. Review status: criteria provided, single submitter. Criteria: Invitae Variant Classification Sherloc (09022015). Collection method: clinical testing. Allele origin: germline.
Comment: This sequence change creates a premature translational stop signal (p.Arg737*) in the USH2A gene. It is expected to result in an absent or disrupted protein product. Loss-of-function variants in USH2A are known to be pathogenic (PMID: 10729113, 10909849, 20507924, 25649381). This variant is present in population databases (rs111033334, gnomAD 0.003%). This premature translational stop signal has been observed in individual(s) with Usher syndrome and autosomal recessive retinitis pigmentosa (PMID: 17296898, 25356976, 29490346). In at least one individual the data is consistent with being in trans (on the opposite chromosome) from a pathogenic variant. ClinVar contains an entry for this variant (Variation ID: 2361). Algorithms developed to predict the effect of sequence changes on RNA splicing suggest that this variant may disrupt the consensus splice site. For these reasons, this variant has been classified as Pathogenic.

Natera, Inc.
Classification: Pathogenic for Usher syndrome type 2A. Last evaluated: 2024-02-22. Review status: criteria provided, single submitter. Criteria: Natera Variant Classification Schema (03/2026). Collection method: clinical testing. Allele origin: germline.
Comment: The c.2209C>T variant in USH2A is a nonsense variant predicted to introduce a stop codon at amino acid 737. This variant is expected to result in nonsense mediated decay, truncation, or a dysfunctional protein product. This variant is rare in the general population with a frequency below the threshold expected for the associated phenotype(s). This variant has been observed in one or more individuals affected with the associated recessive disease, as either homozygous or compound heterozygous with a second variant (PMID: 18452394, 25649381, 28944237). Given the available evidence, this variant is classified as Pathogenic.

Baylor Genetics
Classification: Pathogenic for Retinitis pigmentosa 39. Last evaluated: 2024-01-24. Review status: criteria provided, single submitter. Criteria: ACMG Guidelines, 2015. Collection method: clinical testing. Allele origin: unknown.

Genome-Nilou Lab
Classification: Pathogenic for Usher syndrome type 2A. Last evaluated: 2023-11-04. Review status: criteria provided, single submitter. Criteria: ACMG Guidelines, 2015. Collection method: clinical testing. Allele origin: germline. Affected: no.

Centre for Genomic Medicine, Manchester, Central Manchester University Hospitals
Classification: Pathogenic for Usher syndrome type 2A. Last evaluated: 2019-02-01. Review status: criteria provided, single submitter. Criteria: ACMG Guidelines, 2015. Collection method: clinical testing. Allele origin: germline. Affected: yes. Observed: 1 variant allele, 1 compound heterozygote.

Eurofins Ntd Llc (ga)
Classification: Pathogenic. Last evaluated: 2015-10-01. Review status: criteria provided, single submitter. Criteria: EGL Classification Definitions 2015. Collection method: clinical testing. Allele origin: germline. Observed: 2 variant alleles, 2 heterozygotes.

Laboratory for Molecular Medicine, Mass General Brigham Personalized Medicine
Classification: Pathogenic for Rare genetic deafness. Last evaluated: 2009-11-10. Review status: criteria provided, single submitter. Criteria: LMM Criteria. Collection method: clinical testing. Allele origin: germline. Observed: 1 variant allele.

Sharon lab, Hadassah-Hebrew University Medical Center
Classification: Pathogenic for Usher syndrome type 2. Last evaluated: 2019-06-23. Review status: no assertion criteria provided. Collection method: research. Allele origin: inherited. Affected: yes. Not counted in ClinVar's aggregate classification.

Counsyl
Classification: Pathogenic for Retinitis pigmentosa 39. Last evaluated: 2018-01-16. Review status: no assertion criteria provided. Collection method: clinical testing. Allele origin: unknown. Not counted in ClinVar's aggregate classification.

OMIM
Classification: Pathogenic for USHER SYNDROME, TYPE IIA. Last evaluated: 2007-02-01. Review status: no assertion criteria provided. Collection method: literature only. Allele origin: germline. Not counted in ClinVar's aggregate classification.

OMIM
Classification: Pathogenic for RETINITIS PIGMENTOSA 39. Last evaluated: 2007-02-01. Review status: no assertion criteria provided. Collection method: literature only. Allele origin: germline. Not counted in ClinVar's aggregate classification.

Literature cited by the submitters: PubMed 17296898 (cited by 5 submitters); PubMed 10729113 (cited by Labcorp Genetics (formerly Invitae), Labcorp); PubMed 10909849 (cited by Labcorp Genetics (formerly Invitae), Labcorp); PubMed 20507924 (cited by Labcorp Genetics (formerly Invitae), Labcorp); PubMed 25649381 (cited by Labcorp Genetics (formerly Invitae), Labcorp and Natera, Inc.); PubMed 25356976 (cited by Labcorp Genetics (formerly Invitae), Labcorp and Eurofins Ntd Llc (ga)); PubMed 29490346 (cited by Labcorp Genetics (formerly Invitae), Labcorp); PubMed 18452394 (cited by Natera, Inc. and Laboratory for Molecular Medicine, Mass General Brigham Personalized Medicine); PubMed 28944237 (cited by Natera, Inc.); PubMed 24944099 (cited by Eurofins Ntd Llc (ga)); PubMed 27460420 (cited by Counsyl).